The following is an entry in ClinVar:

NM_001378969.1(KCND3):c.1139G>A (p.Gly380Glu)

Gene: KCND3 (potassium voltage-gated channel subfamily D member 3; minus strand). Cytogenetic location: 1p13.2.
Variant type: single nucleotide variant.
Coding change: c.1139G>A on transcript NM_001378969.1 (MANE Select); coding-DNA position 1139, G replaced by A.
Protein change: p.Gly380Glu; replaces glycine 380 with glutamic acid.
Molecular consequence: missense variant.
Genome position (GRCh38, 1-based): chr1:111,787,074, C>T on the plus strand (G>A on the coding strand, the complement: KCND3 is on the minus strand). VCF-style: chr1-111787074-C-T. GRCh37 (hg19) VCF-style: chr1-112329696-C-T.
Other names: c.1139G>A, p.Gly380Glu (NM_001378970.1, NM_004980.5, NM_172198.3); short protein forms G380E.
Identifiers: ClinVar variation 4881705 (VCV004881705.3).

ClinVar aggregate classification (germline): Uncertain significance. Review status: criteria provided, multiple submitters, no conflicts (2 of 4 stars). 2 submissions from 2 submitters: Uncertain significance (2). Last evaluated 2025-01-23.

Submissions (2):

Dasa
Classification: Uncertain significance. Last evaluated: 2025-01-23. Review status: criteria provided, single submitter. Criteria: DASA Assertion Criteria. Collection method: clinical testing. Allele origin: germline.
Comment: NM_001378969.1(KCND3):c.1139G>A (p.Gly380Glu) is a missense variant that results in the substitution of glycine with glutamic acid. The affected residue or protein region has prior evidence supporting clinical relevance. This variant is absent from population databases. Computational prediction algorithms are consistent with a deleterious effect. The currently available literature and clinical evidence are not sufficient to establish a definitive association between this variant and the reported condition. Therefore, this variant is classified as a variant of uncertain significance.

Blueprint Genetics
Classification: Uncertain significance. Last evaluated: 2023-10-10. Review status: criteria provided, single submitter. Criteria: ACMG Guidelines, 2015. Collection method: clinical testing. Allele origin: germline.